The following is an entry in ClinVar:

ClinVar aggregate classification (germline): Uncertain significance (1 of 4 stars; one submission).

Submission:

CeGaT Center for Human Genetics Tuebingen
Classification: Uncertain significance. Last evaluated: 2024-11-01. Review status: criteria provided, single submitter. Criteria: CeGaT Center For Human Genetics Tuebingen Variant Classification Criteria Version 2. Collection method: clinical testing. Allele origin: germline. Affected: yes. Observed: 1 variant allele.
Comment: CHD3: PM2, PP3

NM_001005273.3(CHD3):c.541C>T (p.Pro181Ser)

Gene: CHD3 (chromodomain helicase DNA binding protein 3; plus strand). Cytogenetic location: 17p13.1.
Variant type: single nucleotide variant.
Coding change: c.541C>T on transcript NM_001005273.3 (MANE Select); coding-DNA position 541, C replaced by T.
Protein change: p.Pro181Ser; replaces proline 181 with serine.
Molecular consequence: missense variant.
Genome position (GRCh38, 1-based): chr17:7,893,317, C>T. VCF-style: chr17-7893317-C-T. GRCh37 (hg19) VCF-style: chr17-7796635-C-T.
Other names: c.718C>T, p.Pro240Ser (NM_001005271.3); c.541C>T, p.Pro181Ser (NM_005852.4); short protein forms P181S, P240S.
Identifiers: ClinVar variation 3389417 (VCV003389417.14).